The following is an entry in ClinVar:

NM_001034853.2(RPGR):c.3097dup (p.Glu1033fs)

Gene: RPGR (retinitis pigmentosa GTPase regulator; minus strand). Cytogenetic location: Xp11.4.
Variant type: Duplication.
Coding change: c.3097dup on transcript NM_001034853.2 (MANE Select); coding-DNA position 3097, one base duplicated (G; older notation c.3097dupG).
Protein change: p.Glu1033fs; shifts the reading frame from glutamic acid 1033.
Molecular consequence: frameshift variant. On other transcripts: intron variant (8).
Genome position (GRCh38, 1-based): chrX:38,285,902, C duplicated on the plus strand (G on the coding strand, the reverse complement: RPGR is on the minus strand); the first of 5 consecutive C bases (chrX:38,285,902-38,285,906); duplicating any one gives the same sequence. VCF-style (leftmost placement, unchanged base first): chrX-38285901-T-TC. GRCh37 (hg19) VCF-style: chrX-38145154-T-TC.
Other names: c.1569+5053dup (NM_001367249.1, NM_001367250.1); c.1902+1188dup (NM_001367245.1); c.1386+5053dup (NM_001367251.1); c.1719+1188dup (NM_001367246.1); c.1572+5053dup (NM_001367247.1); c.1905+1188dup (NM_000328.3); c.1602+5053dup (NM_001367248.1); short protein forms E1033fs.
Identifiers: ClinVar variation 1065741 (VCV001065741.1), dbSNP rs606231180, ClinGen allele CA2499226684.

ClinVar aggregate classification (germline): Likely pathogenic (1 of 4 stars; one submission).

Conditions:
Retinitis pigmentosa 3. Also called: CHOROIDORETINAL DEGENERATION WITH RETINAL REFLEX IN HETEROZYGOUS WOMEN. Identifiers: Orphanet 791, MedGen C1845667, MONDO:0010227, OMIM 300029.

Submission:

Ocular Genomics Institute, Massachusetts Eye and Ear
Classification: Likely pathogenic for Retinitis pigmentosa 3. Last evaluated: 2021-04-08. Review status: criteria provided, single submitter. Criteria: ACMG Guidelines, 2015. Collection method: research. Allele origin: germline. Affected: yes.
Comment: Through a review of available evidence we were able to apply the following criteria: PVS1, PM2. Based on this evidence we have classified this variant as Likely Pathogenic.